The following is an entry in ClinVar:

ClinVar aggregate classification (germline): Conflicting classifications of pathogenicity. Review status: criteria provided, conflicting classifications (1 of 4 stars). 2 submissions from 2 submitters: Likely pathogenic (1); Uncertain significance (1). Last evaluated 2025-07-15.

Allele frequency attached by ClinVar (database versions not stated): gnomAD exomes below 0.00001; TOPMed below 0.00001.
gnomAD v4.1: 1 of 1,614,188 alleles (0.000062%); highest among the groups gnomAD compares: Non-Finnish European, 0.000085%; no homozygotes.

Submissions (2):

Women's Health and Genetics/Laboratory Corporation of America, LabCorp
Classification: Uncertain significance. Last evaluated: 2025-07-15. Review status: criteria provided, single submitter. Criteria: LabCorp Variant Classification Summary - May 2015. Collection method: clinical testing. Allele origin: germline.
Comment: Variant summary: ACAD9 c.1241G>A (p.Arg414His) results in a non-conservative amino acid change located in the Acyl-CoA dehydrogenase/oxidase, C-terminal domain (IPR009075) of the encoded protein sequence. Algorithms developed to predict the effect of missense changes on protein structure and function all suggest that this variant is likely to be disruptive. The variant was absent in 251388 control chromosomes. To our knowledge, no occurrence of c.1241G>A in individuals affected with Acyl-CoA dehydrogenase 9 deficiency and no experimental evidence demonstrating its impact on protein function have been reported. A different variant located at the same codon (c.1240C>A,p.A414S) has been classified as likely pathogenic by our lab, and another variant (c.1240C>T, p.A414C) has been submitted to ClinVar as pathogenic/likely pathogenic, supporting a potential critical relevance of codon 414 to ACAD9 protein function. ClinVar contains an entry for this variant (Variation ID: 1473463). Based on the evidence outlined above, the variant was classified as VUS-possibly pathogenic.

Labcorp Genetics (formerly Invitae), Labcorp
Classification: Likely pathogenic. Last evaluated: 2020-12-27. Review status: criteria provided, single submitter. Criteria: Invitae Variant Classification Sherloc (09022015). Collection method: clinical testing. Allele origin: germline.
Comment: In summary, the currently available evidence indicates that the variant is pathogenic, but additional data are needed to prove that conclusively. Therefore, this variant has been classified as Likely Pathogenic. This variant disrupts the p.Arg414 amino acid residue in ACAD9. Other variant(s) that disrupt this residue have been determined to be pathogenic (PMID: 27233227). This suggests that this residue is clinically significant, and that variants that disrupt this residue are likely to be disease-causing. Advanced modeling of protein sequence and biophysical properties (such as structural, functional, and spatial information, amino acid conservation, physicochemical variation, residue mobility, and thermodynamic stability) performed at Invitae indicates that this missense variant is expected to disrupt ACAD9 protein function. This variant has not been reported in the literature in individuals with ACAD9-related conditions. This variant is not present in population databases (ExAC no frequency). This sequence change replaces arginine with histidine at codon 414 of the ACAD9 protein (p.Arg414His). The arginine residue is highly conserved and there is a small physicochemical difference between arginine and histidine.

Literature cited by the submitters: PubMed 27233227 (cited by Labcorp Genetics (formerly Invitae), Labcorp).

NM_014049.5(ACAD9):c.1241G>A (p.Arg414His)

Gene: ACAD9 (acyl-CoA dehydrogenase family member 9; plus strand). Cytogenetic location: 3q21.3.
Variant type: single nucleotide variant.
Coding change: c.1241G>A on transcript NM_014049.5 (MANE Select); coding-DNA position 1241, G replaced by A.
Protein change: p.Arg414His; replaces arginine 414 with histidine.
Molecular consequence: missense variant. On other transcripts: non-coding transcript variant (1).
Genome position (GRCh38, 1-based): chr3:128,906,212, G>A. VCF-style: chr3-128906212-G-A. GRCh37 (hg19) VCF-style: chr3-128625055-G-A.
Other names: short protein forms R414H.
Identifiers: ClinVar variation 1473463 (VCV001473463.10), dbSNP rs1935884990, ClinGen allele CA354437213.